The following is an entry in ClinVar:

NM_004924.6(ACTN4):c.1875+7_1875+25del

Gene: ACTN4 (actinin alpha 4; plus strand). Cytogenetic location: 19q13.2.
Variant type: Deletion.
Coding change: c.1875+7_1875+25del on transcript NM_004924.6 (MANE Select); bases 7 to 25 of the intron after coding-DNA position 1875, 19 bases deleted (CGGGGCCATCCGTAGGGGC).
Molecular consequence: intron variant.
Genome position (GRCh38, 1-based): chr19:38,724,346-38,724,364, CGGGGCCATCCGTAGGGGC deleted; deleting any 19 consecutive bases within chr19:38,724,342-38,724,364 gives the same sequence; the c. name uses the placement nearest the transcript's 3' end. VCF-style (leftmost placement, unchanged base first): chr19-38724341-TGGGCCGGGGCCATCCGTAG-T. GRCh37 (hg19) VCF-style: chr19-39214981-TGGGCCGGGGCCATCCGTAG-T.
Other names: c.1875+7_1875+25del (NM_001411143.1, NM_001322033.2).
Identifiers: ClinVar variation 3383222 (VCV003383222.1).

ClinVar aggregate classification (germline): Uncertain significance (1 of 4 stars; one submission).

Conditions:
Focal segmental glomerulosclerosis 1 (FSGS1). Identifiers: Orphanet 656, MedGen C4551527, MONDO:0011303, OMIM 603278.

Submission:

MVZ Medizinische Genetik Mainz
Classification: Uncertain significance for Focal segmental glomerulosclerosis 1. Last evaluated: 2024-11-11. Review status: criteria provided, single submitter. Criteria: UK Practice Guidelines For Variant Classification V4 01 2020. Collection method: clinical testing. Allele origin: germline. Inheritance: Autosomal dominant inheritance. Affected: yes. Observed: 1 variant allele.
Comment: ACMG Criteria: PM2_SUP,PP3